The following is an entry in ClinVar:

ClinVar aggregate classification (germline): Benign/Likely benign. Review status: criteria provided, multiple submitters, no conflicts (2 of 4 stars). 2 submissions from 2 submitters: Benign (1); Likely benign (1). Last evaluated 2026-06-01.

Allele frequency attached by ClinVar (database versions not stated): 1000 Genomes Project 30x 0.00047; 1000 Genomes Project 0.00060; ExAC 0.00152; gnomAD exomes 0.00167; TOPMed 0.00183; gnomAD 0.00184 and 0.00187; ESP Exome Variant Server 0.00238.
gnomAD v4.1: 2,689 of 1,613,502 alleles (0.17%); highest among the groups gnomAD compares: Middle Eastern, 0.31%; 7 homozygotes.

Submissions (2):

CeGaT Center for Human Genetics Tuebingen
Classification: Likely benign. Last evaluated: 2026-06-01. Review status: criteria provided, single submitter. Criteria: CeGaT Center For Human Genetics Tuebingen Variant Classification Criteria Version 2. Collection method: clinical testing. Allele origin: germline. Affected: yes. Observed: 9 variant alleles.
Comment: CLIP2: BP4, BP7

Labcorp Genetics (formerly Invitae), Labcorp
Classification: Benign. Last evaluated: 2018-03-12. Review status: criteria provided, single submitter. Criteria: Invitae Variant Classification Sherloc (09022015). Collection method: clinical testing. Allele origin: germline.

NM_003388.5(CLIP2):c.2730C>T (p.Asn910=)

Gene: CLIP2 (CAP-Gly domain containing linker protein 2; plus strand). Cytogenetic location: 7q11.23.
Variant type: single nucleotide variant.
Coding change: c.2730C>T on transcript NM_003388.5 (MANE Select); coding-DNA position 2730, C replaced by T.
Protein change: p.Asn910=; no amino-acid change (asparagine 910 retained).
Molecular consequence: synonymous variant.
Genome position (GRCh38, 1-based): chr7:74,397,083, C>T. VCF-style: chr7-74397083-C-T. GRCh37 (hg19) VCF-style: chr7-73811413-C-T.
Other names: c.2625C>T, p.Asn875= (NM_032421.3).
Identifiers: ClinVar variation 721713 (VCV000721713.27), dbSNP rs144390075, ClinGen allele CA4296170.
Genomic context (GRCh38, chr7:74,397,083, plus strand): 5'-CTGGAGGAGCCAGGGCTGAGTGCAGTGGTTCTGTGCCCGCCTCACCCCCAGGAGCCTGAA[C>T]GAACTGCGGGTGTTGCTGCTGGAGGCCAATCGTCACTCCCCAGGGCCGGAGAGGGACCTG-3'
Protein context (NP_003379.4, residues 900-920): QELLRKERSL[Asn910=]ELRVLLLEAN